The following is an entry in ClinVar:

ClinVar aggregate classification (germline): Uncertain significance (1 of 4 stars; one submission).

Submission:

GeneDx
Classification: Uncertain significance. Last evaluated: 2023-06-21. Review status: criteria provided, single submitter. Criteria: GeneDx Variant Classification Process June 2021. Collection method: clinical testing. Allele origin: germline. Affected: yes.
Comment: Frameshift variant predicted to result in protein truncation or nonsense mediated decay in a gene for which loss of function is not an established mechanism of disease; Not observed at significant frequency in large population cohorts (gnomAD); Has not been previously published as pathogenic or benign to our knowledge

NM_002539.3(ODC1):c.192dup (p.Phe65fs)

Gene: ODC1 (ornithine decarboxylase 1; minus strand). Cytogenetic location: 2p25.1.
Variant type: Duplication.
Coding change: c.192dup on transcript NM_002539.3 (MANE Select); coding-DNA position 192, one base duplicated (C; older notation c.192dupC).
Protein change: p.Phe65fs; shifts the reading frame from phenylalanine 65.
Molecular consequence: frameshift variant. On other transcripts: intron variant (1).
Genome position (GRCh38, 1-based): chr2:10,444,558, G duplicated on the plus strand (C on the coding strand, the reverse complement: ODC1 is on the minus strand); the first of 5 consecutive G bases (chr2:10,444,558-10,444,562); duplicating any one gives the same sequence. VCF-style (leftmost placement, unchanged base first): chr2-10444557-A-AG. GRCh37 (hg19) VCF-style: chr2-10584683-A-AG.
Other names: c.192dup, p.Phe65fs (NM_001287189.2, NM_001287190.2); c.-185-11dup (NM_001287188.2); short protein forms F65fs.
Identifiers: ClinVar variation 3360284 (VCV003360284.1).
Genomic context (GRCh38, chr2:10,444,557, plus strand): 5'-TCCCGGTAGCAGCAAGGGTCTTCACGATGGCTTTGCTATCATTACATTTGACTGCATAAA[A>AG]GGGGGTGACACGAGGGAGAGCTTTTAACCACCTCAGATGTTTCTTTAGAATGTCTCCCAG-3'